The following is an entry in ClinVar:

NM_003355.3(UCP2):c.427C>T (p.Arg143Ter)

Gene: UCP2 (uncoupling protein 2; minus strand). Cytogenetic location: 11q13.4.
Variant type: single nucleotide variant.
Coding change: c.427C>T on transcript NM_003355.3 (MANE Select); coding-DNA position 427, C replaced by T.
Protein change: p.Arg143Ter; replaces arginine 143 with a stop codon.
Molecular consequence: nonsense. On other transcripts: intron variant (1).
Genome position (GRCh38, 1-based): chr11:73,976,928, G>A on the plus strand (C>T on the coding strand, the complement: UCP2 is on the minus strand). VCF-style: chr11-73976928-G-A. GRCh37 (hg19) VCF-style: chr11-73687973-G-A.
Other names: c.427C>T, p.Arg143Ter (NM_001381943.1, NM_001381944.1, NM_001381945.1 and 3 more transcripts); c.338-186C>T (NM_001381950.1); short protein forms R143*.
Identifiers: ClinVar variation 1380759 (VCV001380759.6), dbSNP rs754233210, ClinGen allele CA6181137.

ClinVar aggregate classification (germline): Uncertain significance (1 of 4 stars; one submission).

Allele frequency attached by ClinVar (database versions not stated): gnomAD exomes 0.00002 and 0.00005; TOPMed 0.00002; gnomAD 0.00003; ExAC 0.00005.

Submission:

Labcorp Genetics (formerly Invitae), Labcorp
Classification: Uncertain significance. Last evaluated: 2022-08-10. Review status: criteria provided, single submitter. Criteria: Invitae Variant Classification Sherloc (09022015). Collection method: clinical testing. Allele origin: germline.
Comment: In summary, the available evidence is currently insufficient to determine the role of this variant in disease. Therefore, it has been classified as a Variant of Uncertain Significance. ClinVar contains an entry for this variant (Variation ID: 1380759). This variant has not been reported in the literature in individuals affected with UCP2-related conditions. This variant is present in population databases (rs754233210, gnomAD 0.03%). This sequence change creates a premature translational stop signal (p.Arg143*) in the UCP2 gene. It is expected to result in an absent or disrupted protein product. However, the current clinical and genetic evidence is not sufficient to establish whether loss-of-function variants in UCP2 cause disease.